The following is an entry in ClinVar:

ClinVar aggregate classification (germline): Likely pathogenic (1 of 4 stars; one submission).

Conditions:
Au-Kline syndrome. Also called: Okamoto syndrome; Neurodevelopmental disorder-craniofacial dysmorphism-cardiac defect-hip dysplasia syndrome due to a point mutation. Identifiers: Orphanet 2729, Orphanet 453499, Orphanet 453504, MedGen C4225274, MONDO:0014700, OMIM 616580.

Submission:

Juno Genomics, Hangzhou Juno Genomics, Inc
Classification: Likely pathogenic for Au-Kline syndrome. Review status: criteria provided, single submitter. Criteria: ACMG Guidelines, 2015. Collection method: clinical testing. Allele origin: germline. Affected: yes.
Comment: Absent from controls (or at extremely low frequency if recessive) in Genome Aggregation Database, Exome Sequencing Project, 1000 Genomes Project, or Exome Aggregation Consortium.;Null variant in a gene where loss of function (LOF) is a known mechanism of disease.

NM_031263.4(HNRNPK):c.59-1G>C

Gene: HNRNPK (heterogeneous nuclear ribonucleoprotein K; minus strand). Cytogenetic location: 9q21.32.
Variant type: single nucleotide variant.
Coding change: c.59-1G>C on transcript NM_031263.4 (MANE Select); the canonical splice acceptor site of the intron before coding-DNA position 59, G replaced by C.
Molecular consequence: splice acceptor variant.
Genome position (GRCh38, 1-based): chr9:83,977,787, C>G on the plus strand (G>C on the coding strand, the complement: HNRNPK is on the minus strand). VCF-style: chr9-83977787-C-G. GRCh37 (hg19) VCF-style: chr9-86592702-C-G.
Other names: c.59-1G>C (NM_031262.4, NM_002140.5, NM_001318186.2 and 2 more transcripts).
Identifiers: ClinVar variation 3382293 (VCV003382293.2).
Genomic context (GRCh38, chr9:83,977,787, plus strand): 5'-CAGTGTTTCTAGATCTTTTAAATGCTTGTTCCTCTTCCATATCTTCTGCAGGGCGTTTAC[C>G]TAAAAATTAACAGTTCACATTTCAAAGAAAGCAGCGAAGTCTCCAAAGTAACTCCATTCT-3'